The following is an entry in ClinVar:

ClinVar aggregate classification (germline): Uncertain significance (1 of 4 stars; one submission).

Conditions:
Emery-Dreifuss muscular dystrophy 4, autosomal dominant (EDMD4). Also called: EMERY-DREIFUSS MUSCULAR DYSTROPHY 4 WITH VARIABLE FEATURES. Identifiers: Orphanet 261, MedGen C2751807, MONDO:0013071, OMIM 612998.
Autosomal recessive ataxia, Beauce type. Also called: Spinocerebellar ataxia, autosomal recessive 8; ATAXIA, RECESSIVE, OF BEAUCE; SYNE1-Related Autosomal Recessive Cerebellar Ataxia; SYNE1 Deficiency. Identifiers: Orphanet 88644, MedGen C1853116, MONDO:0012549, OMIM 610743.

Allele frequency attached by ClinVar (database versions not stated): gnomAD exomes below 0.00001.
gnomAD v4.1: 2 of 1,612,320 alleles (0.00012%); highest among the groups gnomAD compares: Non-Finnish European, 0.000085%; no homozygotes.

Submission:

Labcorp Genetics (formerly Invitae), Labcorp
Classification: Uncertain significance for Emery-Dreifuss muscular dystrophy 4, autosomal dominant; Autosomal recessive ataxia, Beauce type. Last evaluated: 2022-05-12. Review status: criteria provided, single submitter. Criteria: Invitae Variant Classification Sherloc (09022015). Collection method: clinical testing. Allele origin: germline.
Comment: In summary, the available evidence is currently insufficient to determine the role of this variant in disease. Therefore, it has been classified as a Variant of Uncertain Significance. Algorithms developed to predict the effect of missense changes on protein structure and function are either unavailable or do not agree on the potential impact of this missense change (SIFT: "Deleterious"; PolyPhen-2: "Benign"; Align-GVGD: "Class C65"). This variant has not been reported in the literature in individuals affected with SYNE1-related conditions. This variant is not present in population databases (gnomAD no frequency). This sequence change replaces leucine, which is neutral and non-polar, with serine, which is neutral and polar, at codon 6368 of the SYNE1 protein (p.Leu6368Ser).

NM_182961.4(SYNE1):c.19316T>C (p.Leu6439Ser)

Gene: SYNE1 (spectrin repeat containing nuclear envelope protein 1; minus strand). Cytogenetic location: 6q25.2.
Variant type: single nucleotide variant.
Coding change: c.19316T>C on transcript NM_182961.4 (MANE Select); coding-DNA position 19316, T replaced by C.
Protein change: p.Leu6439Ser; replaces leucine 6439 with serine.
Molecular consequence: missense variant.
Genome position (GRCh38, 1-based): chr6:152,255,034, A>G on the plus strand (T>C on the coding strand, the complement: SYNE1 is on the minus strand). VCF-style: chr6-152255034-A-G. GRCh37 (hg19) VCF-style: chr6-152576169-A-G.
Other names: c.19103T>C, p.Leu6368Ser (NM_033071.5); short protein forms L6368S, L6439S.
Identifiers: ClinVar variation 2171363 (VCV002171363.4), dbSNP rs2090467453, ClinGen allele CA366136567.